The following is an entry in ClinVar:

ClinVar aggregate classification (germline): Likely pathogenic (1 of 4 stars; one submission).

Conditions:
Usher syndrome type 2A. Also called: RETINAL DISEASE IN USHER SYNDROME TYPE IIA, MODIFIER OF; USHER SYNDROME, TYPE IIA. Identifiers: Orphanet 231178, Orphanet 886, MedGen C1848634, MONDO:0010169, OMIM 276901.

Submission:

Myriad Genetics, Inc.
Classification: Likely pathogenic for Usher syndrome type 2A. Last evaluated: 2021-12-16. Review status: criteria provided, single submitter. Criteria: Myriad Women's Health Autosomal Recessive and X-Linked Classification Criteria (2021). Collection method: clinical testing. Allele origin: unknown.
Comment: NM_206933.2(USH2A):c.5831G>A(W1944*) is expected to be pathogenic in the context of USH2A-related disorders. This variant is predicted to lead to an abnormal or absent protein product due to the creation of a premature termination codon in USH2A, a gene where loss-of-function variants are known to be pathogenic. Please note: this variant was assessed in the context of healthy population screening.

NM_206933.4(USH2A):c.5831G>A (p.Trp1944Ter)

Genes: USH2A (usherin; minus strand), USH2A-AS2 (USH2A antisense RNA 2; plus strand). Cytogenetic location: 1q41.
Variant type: single nucleotide variant.
Coding change: c.5831G>A on transcript NM_206933.4 (MANE Select); coding-DNA position 5831, G replaced by A.
Protein change: p.Trp1944Ter; replaces tryptophan 1944 with a stop codon.
Molecular consequence: nonsense.
Genome position (GRCh38, 1-based): chr1:216,072,915, C>T on the plus strand (G>A on the coding strand, the complement: USH2A is on the minus strand). VCF-style: chr1-216072915-C-T. GRCh37 (hg19) VCF-style: chr1-216246257-C-T.
Other names: short protein forms W1944*.
Identifiers: ClinVar variation 1726365 (VCV001726365.2), dbSNP rs2527776733, ClinGen allele CA344853773.